The following is an entry in ClinVar:

NM_018055.5(NODAL):c.*404T>C

Gene: NODAL (nodal growth differentiation factor; minus strand). Cytogenetic location: 10q22.1.
Variant type: single nucleotide variant.
Coding change: c.*404T>C on transcript NM_018055.5 (MANE Select); 404 bases downstream of the stop codon, T replaced by C.
Molecular consequence: 3 prime UTR variant.
Genome position (GRCh38, 1-based): chr10:70,432,532, A>G on the plus strand (T>C on the coding strand, the complement: NODAL is on the minus strand). VCF-style: chr10-70432532-A-G. GRCh37 (hg19) VCF-style: chr10-72192288-A-G.
Other names: c.*404T>C (NM_001329906.2).
Identifiers: ClinVar variation 300295 (VCV000300295.5), dbSNP rs77232076, ClinGen allele CA10636026.

ClinVar aggregate classification (germline): Benign. Review status: criteria provided, single submitter (1 of 4 stars). 2 submissions from 1 submitter: Benign (2). Last evaluated 2018-01-12.

Conditions:
Heterotaxy, visceral, 5, autosomal (HTX5). Also called: Heterotaxy, visceral, 5. Identifiers: Orphanet 450, MedGen C3495537, MONDO:0700112, OMIM 270100.
Holoprosencephaly sequence (HPE). Also called: Holoprosencephaly. Identifiers: Orphanet 2162, MedGen C0079541, MONDO:0016296, HP:0001360.

Allele frequency attached by ClinVar (database versions not stated): gnomAD exomes 0.00122; gnomAD 0.01015 and 0.01099; 1000 Genomes Project 0.01058; TOPMed 0.01205; 1000 Genomes Project 30x 0.01234.
gnomAD v4.1: 1,747 of 324,108 alleles (0.54%); highest among the groups gnomAD compares: African/African-American, 3.5%; 25 homozygotes.

Submissions (2):

Illumina Laboratory Services, Illumina
Classification: Benign for Holoprosencephaly sequence. Last evaluated: 2018-01-12. Review status: criteria provided, single submitter. Criteria: ICSL Variant Classification Criteria 13 December 2019. Collection method: clinical testing. Allele origin: germline.
Comment: This variant was observed in the ICSL laboratory as part of a predisposition screen in an ostensibly healthy population. It had not been previously curated by ICSL or reported in the Human Gene Mutation Database (HGMD: prior to June 1st, 2018), and was therefore a candidate for classification through an automated scoring system. Utilizing variant allele frequency, disease prevalence and penetrance estimates, and inheritance mode, an automated score was calculated to assess if this variant is too frequent to cause the disease. Based on the score and internal cut-off values, a variant classified as benign is not then subjected to further curation. The score for this variant resulted in a classification of benign for this disease.

Illumina Laboratory Services, Illumina
Classification: Benign for Heterotaxy, visceral, 5, autosomal. Last evaluated: 2018-01-12. Review status: criteria provided, single submitter. Criteria: ICSL Variant Classification Criteria 13 December 2019. Collection method: clinical testing. Allele origin: germline.
Comment: the same text as in the submission from Illumina Laboratory Services, Illumina above.